The following is an entry in ClinVar:

ClinVar aggregate classification (germline): Likely benign (0 of 4 stars; one submission).

Conditions:
SIM1-related disorder. Also called: SIM1-related condition; SIM1-related disorders.

gnomAD v4.1: 1 of 1,614,084 alleles (0.000062%); highest among the groups gnomAD compares: Non-Finnish European, 0.000085%; no homozygotes.

Submission:

PreventionGenetics, part of Exact Sciences
Classification: Likely benign for SIM1-related condition. Last evaluated: 2022-02-23. Review status: no assertion criteria provided. Collection method: clinical testing. Allele origin: germline.
Comment: This variant is classified as likely benign based on ACMG/AMP sequence variant interpretation guidelines (Richards et al. 2015 PMID: 25741868, with internal and published modifications).

NM_005068.3(SIM1):c.1392C>G (p.Thr464=)

Genes: SIM1 (SIM bHLH transcription factor 1; minus strand), SIM1-AS1 (SIM1 antisense RNA 1; plus strand). Cytogenetic location: 6q16.3.
Variant type: single nucleotide variant.
Coding change: c.1392C>G on transcript NM_005068.3 (MANE Select); coding-DNA position 1392, C replaced by G.
Protein change: p.Thr464=; no amino-acid change (threonine 464 retained).
Molecular consequence: synonymous variant. On other transcripts: non-coding transcript variant (1).
Genome position (GRCh38, 1-based): chr6:100,393,665, G>C on the plus strand (C>G on the coding strand, the complement: SIM1 is on the minus strand). VCF-style: chr6-100393665-G-C. GRCh37 (hg19) VCF-style: chr6-100841541-G-C.
Other names: c.1392C>G, p.Thr464= (NM_001374769.1).
Identifiers: ClinVar variation 3354807 (VCV003354807.1).